The following is an entry in ClinVar:

NM_004006.3(DMD):c.2911G>A (p.Asp971Asn)

Gene: DMD (dystrophin; minus strand). Cytogenetic location: Xp21.1.
Variant type: single nucleotide variant.
Coding change: c.2911G>A on transcript NM_004006.3 (MANE Select); coding-DNA position 2911, G replaced by A.
Protein change: p.Asp971Asn; replaces aspartic acid 971 with asparagine.
Molecular consequence: missense variant.
Genome position (GRCh38, 1-based): chrX:32,472,202, C>T on the plus strand (G>A on the coding strand, the complement: DMD is on the minus strand). VCF-style: chrX-32472202-C-T. GRCh37 (hg19) VCF-style: chrX-32490319-C-T.
Other names: c.2887G>A, p.Asp963Asn (NM_000109.4); c.2899G>A, p.Asp967Asn (NM_004009.3); c.2542G>A, p.Asp848Asn (NM_004010.3); short protein forms D848N, D963N, D971N, D967N.
Identifiers: ClinVar variation 1391129 (VCV001391129.7), dbSNP rs1376043336, ClinGen allele CA412667946.
Genomic context (GRCh38, chrX:32,472,202, plus strand): 5'-TGACATTCAAATATTCACAGACCTGCAATTCCCCGAGTCTCTGCTCCATGATTTCATAGT[C>T]GGTGACACTAAGTTGAGGTATGGAGAGTTTGGTTTCTGACTGCTGGACCCATGTCCTGAT-3'
Protein context (NP_003997.2, residues 961-981): KLSIPQLSVT[Asp971Asn]YEIMEQRLGE

ClinVar aggregate classification (germline): Uncertain significance. Review status: criteria provided, multiple submitters, no conflicts (2 of 4 stars). 3 submissions from 3 submitters: Uncertain significance (3). Last evaluated 2025-04-02.

Conditions:
Duchenne muscular dystrophy (DMD). Also called: MUSCULAR DYSTROPHY, PSEUDOHYPERTROPHIC PROGRESSIVE, DUCHENNE TYPE; Duchenne Muscular Dystrophy (DMD). Identifiers: Orphanet 98896, MedGen C0013264, MONDO:0010679, OMIM 310200.
Cardiovascular phenotype. Identifiers: MedGen CN230736.

Allele frequency attached by ClinVar (database versions not stated): gnomAD exomes below 0.00001; TOPMed 0.00001.
gnomAD v4.1: 3 of 1,211,125 alleles (0.00025%); highest among the groups gnomAD compares: African/African-American, 0.0017%; no homozygotes.

Submissions (3):

Labcorp Genetics (formerly Invitae), Labcorp
Classification: Uncertain significance for Duchenne muscular dystrophy. Last evaluated: 2025-04-02. Review status: criteria provided, single submitter. Criteria: Invitae Variant Classification Sherloc (09022015). Collection method: clinical testing. Allele origin: germline.
Comment: This sequence change replaces aspartic acid, which is acidic and polar, with asparagine, which is neutral and polar, at codon 971 of the DMD protein (p.Asp971Asn). This variant is not present in population databases (gnomAD no frequency). This variant has not been reported in the literature in individuals affected with DMD-related conditions. ClinVar contains an entry for this variant (Variation ID: 1391129). Invitae Evidence Modeling of protein sequence and biophysical properties (such as structural, functional, and spatial information, amino acid conservation, physicochemical variation, residue mobility, and thermodynamic stability) indicates that this missense variant is not expected to disrupt DMD protein function with a negative predictive value of 95%. In summary, the available evidence is currently insufficient to determine the role of this variant in disease. Therefore, it has been classified as a Variant of Uncertain Significance.

Blueprint Genetics
Classification: Uncertain significance. Last evaluated: 2022-06-08. Review status: criteria provided, single submitter. Criteria: ACMG Guidelines, 2015. Collection method: clinical testing. Allele origin: germline.

Ambry Genetics
Classification: Uncertain significance for Cardiovascular phenotype. Last evaluated: 2021-01-07. Review status: criteria provided, single submitter. Criteria: Ambry Variant Classification Scheme 2023. Collection method: clinical testing. Allele origin: germline.
Comment: The p.D971N variant (also known as c.2911G>A), located in coding exon 22 of the DMD gene, results from a G to A substitution at nucleotide position 2911. The aspartic acid at codon 971 is replaced by asparagine, an amino acid with highly similar properties. This amino acid position is poorly conserved in available vertebrate species. In addition, this alteration is predicted to be tolerated by in silico analysis. Since supporting evidence is limited at this time, the clinical significance of this alteration remains unclear.